The following is an entry in ClinVar:

ClinVar aggregate classification (germline): Uncertain significance (1 of 4 stars; one submission).

Submission:

Ambry Genetics
Classification: Uncertain significance. Last evaluated: 2025-04-12. Review status: criteria provided, single submitter. Criteria: Ambry Variant Classification Scheme 2023. Collection method: clinical testing. Allele origin: germline.
Comment: The p.T1091A variant (also known as c.3271A>G), located in coding exon 1 of the TET2 gene, results from an A to G substitution at nucleotide position 3271. The threonine at codon 1091 is replaced by alanine, an amino acid with similar properties. This amino acid position is conserved. In addition, this alteration is predicted to be tolerated by in silico analysis. Based on the available evidence, the clinical significance of this variant remains unclear.

NM_001127208.3(TET2):c.3271A>G (p.Thr1091Ala)

Genes: TET2 (tet methylcytosine dioxygenase 2; plus strand), TET2-AS1 (TET2 antisense RNA 1; minus strand). Cytogenetic location: 4q24.
Variant type: single nucleotide variant.
Coding change: c.3271A>G on transcript NM_001127208.3 (MANE Select); coding-DNA position 3271, A replaced by G.
Protein change: p.Thr1091Ala; replaces threonine 1091 with alanine.
Molecular consequence: missense variant.
Genome position (GRCh38, 1-based): chr4:105,237,213, A>G. VCF-style: chr4-105237213-A-G. GRCh37 (hg19) VCF-style: chr4-106158370-A-G.
Other names: c.3271A>G, p.Thr1091Ala (NM_017628.4); short protein forms T1091A.
Identifiers: ClinVar variation 3967559 (VCV003967559.1).
Genomic context (GRCh38, chr4:105,237,213, plus strand): 5'-GCTGCAGAACTTGATAGCCACACCCCAGCTTTAGAGCAGCAAACAACTTCTTCAGAAAAG[A>G]CACCAACCAAAAGAACAGCTGCTTCTGTTCTCAATAATTTTATAGAGTCACCTTCCAAAT-3'
Protein context (NP_001120680.1, residues 1081-1101): LEQQTTSSEK[Thr1091Ala]PTKRTAASVL